The following is an entry in ClinVar:

ClinVar aggregate classification (germline): Pathogenic/Likely pathogenic. Review status: criteria provided, multiple submitters, no conflicts (2 of 4 stars). 2 submissions from 2 submitters: Pathogenic (1); Likely pathogenic (1). Last evaluated 2023-05-02.

Conditions:
Hereditary cancer-predisposing syndrome. Also called: Neoplastic Syndromes, Hereditary; Tumor predisposition; Hereditary Cancer Syndrome; Hereditary neoplastic syndrome. Identifiers: Orphanet 140162, MedGen C0027672, MeSH D009386, MONDO:0015356.
Familial adenomatous polyposis 1 (FAP1). Also called: FAMILIAL ADENOMATOUS POLYPOSIS 1, ATTENUATED; POLYPOSIS, ADENOMATOUS INTESTINAL. Identifiers: MedGen C2713442, MONDO:0021056, OMIM 175100. Disease mechanism: loss of function.

Submissions (2):

Myriad Genetics, Inc.
Classification: Likely pathogenic for Familial adenomatous polyposis 1. Last evaluated: 2023-05-02. Review status: criteria provided, single submitter. Criteria: Myriad Autosomal Dominant, Autosomal Recessive and X-Linked Classification Criteria (2023). Collection method: clinical testing. Allele origin: unknown.
Comment: This variant is considered likely pathogenic. This variant occurs within a consensus splice junction and is predicted to result in abnormal mRNA splicing of either an out-of-frame exon or an in-frame exon necessary for protein stability and/or normal function.

Ambry Genetics
Classification: Pathogenic for Hereditary cancer-predisposing syndrome. Last evaluated: 2020-08-18. Review status: criteria provided, single submitter. Criteria: Ambry Variant Classification Scheme 2023. Collection method: clinical testing. Allele origin: germline.
Comment: The c.1627-2A>T intronic pathogenic mutation results from an A to T substitution two nucleotides upstream from coding exon 13 in the APC gene. The resulting transcript is predicted to be in-frame and is not expected to trigger nonsense-mediated mRNAdecay; however, direct evidence is unavailable. The exact functional effect of the missing amino acids is unknown; however, other alterations that result in the loss of coding exon 13 have been detected in multiple patients with a personal and/or family history of colon polyposis (Ambry internal data). This variant was not reported in population-based cohorts in the Genome Aggregation Database (gnomAD). In silico splice site analysis predicts that this alteration will weaken the native splice acceptor site. Based on the supporting evidence, this alteration is interpreted as a disease-causing mutation.

NM_000038.6(APC):c.1627-2A>T

Gene: APC (APC regulator of Wnt signaling pathway; plus strand). Cytogenetic location: 5q22.2.
Variant type: single nucleotide variant.
Coding change: c.1627-2A>T on transcript NM_000038.6 (MANE Select); the canonical splice acceptor site of the intron before coding-DNA position 1627, A replaced by T.
Molecular consequence: splice acceptor variant.
Genome position (GRCh38, 1-based): chr5:112,828,854, A>T. VCF-style: chr5-112828854-A-T. GRCh37 (hg19) VCF-style: chr5-112164551-A-T.
Other names: c.778-2A>T (NM_001407470.1, NM_001354906.2); c.475-2A>T (NM_001407472.1, NM_001407471.1); c.1681-2A>T (NM_001407447.1, NM_001407448.1, NM_001407449.1 and 1 more transcripts); c.1627-2A>T (NM_001354895.2, NM_001407450.1, NM_001127510.3); c.1378-2A>T (NM_001407456.1, NM_001407457.1, NM_001407455.1 and 1 more transcripts); c.1324-2A>T (NM_001407460.1, NM_001407458.1, NM_001407459.1 and 1 more transcripts); c.1597-2A>T (NM_001407452.1); c.1240-2A>T (NM_001407469.1, NM_001407467.1); and 11 more.
Identifiers: ClinVar variation 1776713 (VCV001776713.4), dbSNP rs1580573837, ClinGen allele CA360620461.